The following is an entry in ClinVar:

NM_178859.4(SLC51B):c.298A>G (p.Lys100Glu)

Genes: RASL12 (RAS like family 12; minus strand), SLC51B (SLC51 subunit beta; plus strand). Cytogenetic location: 15q22.31.
Variant type: single nucleotide variant.
Coding change: c.298A>G on transcript NM_178859.4 (MANE Select); coding-DNA position 298, A replaced by G.
Protein change: p.Lys100Glu; replaces lysine 100 with glutamic acid.
Molecular consequence: missense variant.
Genome position (GRCh38, 1-based): chr15:65,053,075, A>G. VCF-style: chr15-65053075-A-G. GRCh37 (hg19) VCF-style: chr15-65345413-A-G.
Other names: short protein forms K100E.
Identifiers: ClinVar variation 2129034 (VCV002129034.4), dbSNP rs2506191895, ClinGen allele CA392842761.

ClinVar aggregate classification (germline): Uncertain significance (1 of 4 stars; one submission).

Allele frequency attached by ClinVar (database versions not stated): gnomAD exomes below 0.00001.
gnomAD v4.1: 1 of 1,614,154 alleles (0.000062%); highest among the groups gnomAD compares: East Asian, 0.0022%; no homozygotes.

Submission:

Labcorp Genetics (formerly Invitae), Labcorp
Classification: Uncertain significance. Last evaluated: 2024-01-02. Review status: criteria provided, single submitter. Criteria: Invitae Variant Classification Sherloc (09022015). Collection method: clinical testing. Allele origin: germline.
Comment: This sequence change replaces lysine, which is basic and polar, with glutamic acid, which is acidic and polar, at codon 100 of the SLC51B protein (p.Lys100Glu). This variant is not present in population databases (gnomAD no frequency). This variant has not been reported in the literature in individuals affected with SLC51B-related conditions. ClinVar contains an entry for this variant (Variation ID: 2129034). An algorithm developed to predict the effect of missense changes on protein structure and function (PolyPhen-2) suggests that this variant is likely to be disruptive. In summary, the available evidence is currently insufficient to determine the role of this variant in disease. Therefore, it has been classified as a Variant of Uncertain Significance.